The following is an entry in ClinVar:

ClinVar aggregate classification (germline): Likely benign. Review status: criteria provided, multiple submitters, no conflicts (2 of 4 stars). 2 submissions from 2 submitters: Likely benign (2). Last evaluated 2026-08-01.

Allele frequency attached by ClinVar (database versions not stated): 1000 Genomes Project 0.00060; 1000 Genomes Project 30x 0.00078; gnomAD 0.00175; TOPMed 0.00191; ESP Exome Variant Server 0.00223; ExAC 0.00264.
gnomAD v4.1: 3,873 of 1,613,018 alleles (0.24%); highest among the groups gnomAD compares: Non-Finnish European, 0.29%; 10 homozygotes.

Submissions (2):

CeGaT Center for Human Genetics Tuebingen
Classification: Likely benign. Last evaluated: 2026-08-01. Review status: criteria provided, single submitter. Criteria: CeGaT Center For Human Genetics Tuebingen Variant Classification Criteria Version 2. Collection method: clinical testing. Allele origin: germline. Affected: yes. Observed: 5 variant alleles.
Comment: POLRMT: BP4

Blueprint Genetics
Classification: Likely benign. Last evaluated: 2024-11-28. Review status: criteria provided, single submitter. Criteria: ACMG Guidelines, 2015. Collection method: clinical testing. Allele origin: germline.

NM_005035.4(POLRMT):c.3495+8C>T

Gene: POLRMT (RNA polymerase mitochondrial; minus strand). Cytogenetic location: 19p13.3.
Variant type: single nucleotide variant.
Coding change: c.3495+8C>T on transcript NM_005035.4 (MANE Select); 8 bases into the intron after coding-DNA position 3495, C replaced by T.
Molecular consequence: intron variant.
Genome position (GRCh38, 1-based): chr19:617,769, G>A on the plus strand (C>T on the coding strand, the complement: POLRMT is on the minus strand). VCF-style: chr19-617769-G-A. GRCh37 (hg19) VCF-style: chr19-617769-G-A.
Other names: c.3453+8C>T (NM_001407813.1); c.3474+8C>T (NM_001407811.1); c.3483+8C>T (NM_001407810.1); c.3504+8C>T (NM_001407807.1, NM_001407808.1); c.3486+8C>T (NM_001407809.1); c.3507+8C>T (NM_001407806.1); c.3171+8C>T (NM_001407832.1, NM_001407833.1); c.3270+8C>T (NM_001407830.1); and 10 more.
Identifiers: ClinVar variation 2648849 (VCV002648849.25), dbSNP rs41554212, ClinGen allele CA9019182.
Genomic context (GRCh38, chr19:617,769, plus strand): 5'-CCCCTACCCAACGCCCCAGTGTGGGGGCCCCACCCATGGGTGGACTGAGGCTCAGACTAC[G>A]GGGGCACCTGGTTCATGACGGAGACATCAGCTGCGTGAGTCCAGTAACAGTCGTGCACAG-3'